The following is an entry in ClinVar:

NM_001099403.2(PRDM8):c.164T>A (p.Ile55Lys)

Gene: PRDM8 (PR/SET domain 8; plus strand). Cytogenetic location: 4q21.21.
Variant type: single nucleotide variant.
Coding change: c.164T>A on transcript NM_001099403.2 (MANE Select); coding-DNA position 164, T replaced by A.
Protein change: p.Ile55Lys; replaces isoleucine 55 with lysine.
Molecular consequence: missense variant.
Genome position (GRCh38, 1-based): chr4:80,200,244, T>A. VCF-style: chr4-80200244-T-A. GRCh37 (hg19) VCF-style: chr4-81121398-T-A.
Other names: c.164T>A, p.Ile55Lys (NM_020226.4); short protein forms I55K.
Identifiers: ClinVar variation 565874 (VCV000565874.10), dbSNP rs762557383, ClinGen allele CA2982141.

ClinVar aggregate classification (germline): Uncertain significance (1 of 4 stars; one submission).

Conditions:
Early-onset Lafora body disease. Also called: Epilepsy, progressive myoclonic, 10. Identifiers: Orphanet 324290, MedGen C4225258, MONDO:0014717, OMIM 616640.

Allele frequency attached by ClinVar (database versions not stated): TOPMed 0.00003; gnomAD 0.00001; ExAC 0.00002.
gnomAD v4.1: 115 of 1,614,028 alleles (0.0071%); highest among the groups gnomAD compares: Non-Finnish European, 0.0088%; no homozygotes.

Submission:

Labcorp Genetics (formerly Invitae), Labcorp
Classification: Uncertain significance for Early-onset Lafora body disease. Last evaluated: 2024-10-16. Review status: criteria provided, single submitter. Criteria: Invitae Variant Classification Sherloc (09022015). Collection method: clinical testing. Allele origin: germline.
Comment: This sequence change replaces isoleucine, which is neutral and non-polar, with lysine, which is basic and polar, at codon 55 of the PRDM8 protein (p.Ile55Lys). This variant is present in population databases (rs762557383, gnomAD 0.004%). This variant has not been reported in the literature in individuals affected with PRDM8-related conditions. ClinVar contains an entry for this variant (Variation ID: 565874). Invitae Evidence Modeling of protein sequence and biophysical properties (such as structural, functional, and spatial information, amino acid conservation, physicochemical variation, residue mobility, and thermodynamic stability) indicates that this missense variant is not expected to disrupt PRDM8 protein function with a negative predictive value of 80%. In summary, the available evidence is currently insufficient to determine the role of this variant in disease. Therefore, it has been classified as a Variant of Uncertain Significance.